The following is an entry in ClinVar:

NM_001365276.2(TNXB):c.6902C>A (p.Pro2301His)

Gene: TNXB (tenascin XB; minus strand). Cytogenetic location: 6p21.33.
Variant type: single nucleotide variant.
Coding change: c.6902C>A on transcript NM_001365276.2 (MANE Select); coding-DNA position 6902, C replaced by A.
Protein change: p.Pro2301His; replaces proline 2301 with histidine.
Molecular consequence: missense variant.
Genome position (GRCh38, 1-based): chr6:32,062,423, G>T on the plus strand (C>A on the coding strand, the complement: TNXB is on the minus strand). VCF-style: chr6-32062423-G-T. GRCh37 (hg19) VCF-style: chr6-32030200-G-T.
Other names: p.Pro2301His; c.6902C>A, p.Pro2301His (NM_019105.8); short protein forms P2301H.
Identifiers: ClinVar variation 1240549 (VCV001240549.10), dbSNP rs2269428, ClinGen allele CA3734302.

ClinVar aggregate classification (germline): Benign/Likely benign. Review status: criteria provided, multiple submitters, no conflicts (2 of 4 stars). 6 submissions from 6 submitters: Benign (5); Likely benign (1). Last evaluated 2026-02-04.

Conditions:
Ehlers-Danlos syndrome (EDS). Identifiers: Orphanet 98249, MedGen C0013720, MONDO:0020066.
Cardiovascular phenotype. Identifiers: MedGen CN230736.

Allele frequency attached by ClinVar (database versions not stated): 1000 Genomes Project 30x 0.01265; TOPMed 0.00337; 1000 Genomes Project 0.01378.
gnomAD v4.1: 4,649 of 1,612,802 alleles (0.29%); highest among the groups gnomAD compares: East Asian, 7.3%; 150 homozygotes.

Submissions (6):

Labcorp Genetics (formerly Invitae), Labcorp
Classification: Benign. Last evaluated: 2026-02-04. Review status: criteria provided, single submitter. Criteria: Invitae Variant Classification Sherloc (09022015). Collection method: clinical testing. Allele origin: germline.

Women's Health and Genetics/Laboratory Corporation of America, LabCorp
Classification: Likely benign. Last evaluated: 2026-01-22. Review status: criteria provided, single submitter. Criteria: LabCorp Variant Classification Summary - May 2015. Collection method: clinical testing. Allele origin: germline.

Mayo Clinic Laboratories, Mayo Clinic
Classification: Benign. Last evaluated: 2024-08-21. Review status: criteria provided, single submitter. Criteria: ACMG Guidelines, 2015. Collection method: clinical testing. Allele origin: germline. Observed: 6 variant alleles.
Comment: BA1

GeneDx
Classification: Benign. Last evaluated: 2020-12-04. Review status: criteria provided, single submitter. Criteria: GeneDx Variant Classification Process June 2021. Collection method: clinical testing. Allele origin: germline. Affected: yes.

Genome Diagnostics Laboratory, The Hospital for Sick Children
Classification: Benign for Ehlers-Danlos syndrome. Last evaluated: 2020-05-01. Review status: criteria provided, single submitter. Criteria: ACMG Guidelines, 2015. Collection method: clinical testing. Allele origin: germline.

Ambry Genetics
Classification: Benign for Cardiovascular phenotype. Last evaluated: 2019-03-04. Review status: criteria provided, single submitter. Criteria: Ambry Variant Classification Scheme 2023. Collection method: clinical testing. Allele origin: germline.